The following is an entry in ClinVar:

NM_001365951.3(KIF1B):c.3638C>T (p.Pro1213Leu)

Gene: KIF1B (kinesin family member 1B; plus strand). Cytogenetic location: 1p36.22.
Variant type: single nucleotide variant.
Coding change: c.3638C>T on transcript NM_001365951.3 (MANE Select); coding-DNA position 3638, C replaced by T.
Protein change: p.Pro1213Leu; replaces proline 1213 with leucine.
Molecular consequence: missense variant.
Genome position (GRCh38, 1-based): chr1:10,343,237, C>T. VCF-style: chr1-10343237-C-T. GRCh37 (hg19) VCF-style: chr1-10403295-C-T.
Other names: c.3638C>T, p.Pro1213Leu (NM_001365952.1); c.3500C>T, p.Pro1167Leu (NM_015074.3); short protein forms P1213L, P1167L.
Identifiers: ClinVar variation 1732068 (VCV001732068.3), dbSNP rs2521760302, ClinGen allele CA338342067.

ClinVar aggregate classification (germline): Uncertain significance (1 of 4 stars; one submission).

Submission:

Ambry Genetics
Classification: Uncertain significance. Last evaluated: 2024-11-25. Review status: criteria provided, single submitter. Criteria: Ambry Variant Classification Scheme 2023. Collection method: clinical testing. Allele origin: germline.
Comment: The p.P1167L variant (also known as c.3500C>T), located in coding exon 31 of the KIF1B gene, results from a C to T substitution at nucleotide position 3500. The proline at codon 1167 is replaced by leucine, an amino acid with similar properties. This amino acid position is conserved. In addition, this alteration is predicted to be tolerated by in silico analysis. The evidence for this gene-disease relationship is limited; therefore, the clinical significance of this alteration is unclear.